The following is an entry in ClinVar:

NM_000384.3(APOB):c.4881T>C (p.Asn1627=)

Gene: APOB (apolipoprotein B; minus strand). Cytogenetic location: 2p24.1.
Variant type: single nucleotide variant.
Coding change: c.4881T>C on transcript NM_000384.3 (MANE Select); coding-DNA position 4881, T replaced by C.
Protein change: p.Asn1627=; no amino-acid change (asparagine 1627 retained).
Molecular consequence: synonymous variant.
Genome position (GRCh38, 1-based): chr2:21,011,987, A>G on the plus strand (T>C on the coding strand, the complement: APOB is on the minus strand). VCF-style: chr2-21011987-A-G. GRCh37 (hg19) VCF-style: chr2-21234859-A-G.
Identifiers: ClinVar variation 2947481 (VCV002947481.4), dbSNP rs760365614, ClinGen allele CA425346863.

ClinVar aggregate classification (germline): Likely benign. Review status: criteria provided, multiple submitters, no conflicts (2 of 4 stars). 2 submissions from 2 submitters: Likely benign (2). Last evaluated 2024-01-11.

Conditions:
Familial hypobetalipoproteinemia 1. Also called: APOB-Related Familial Hypobetalipoproteinemia; Hypobetalipoproteinemia, normotriglyceridemic; Acanthocytosis with hypobetalipoproteinemia. Identifiers: MedGen C4551990, MONDO:0014252, OMIM 615558.
Hypercholesterolemia, autosomal dominant, type B (FHCL2). Also called: Familial Hypercholesterolemia Type B; APOLIPOPROTEIN B-100, FAMILIAL DEFECTIVE; APOLIPOPROTEIN B-100, FAMILIAL LIGAND-DEFECTIVE; HYPERCHOLESTEROLEMIA, FAMILIAL, DUE TO LIGAND-DEFECTIVE APOLIPOPROTEIN B; Hyperlipoproteinemia Type IIb; Familial hypercholesterolemia 2. Identifiers: MedGen C1704417, MONDO:0007751, OMIM 144010.
Familial hypercholesterolemia. Also called: Familial hypercholesterolemias; Familial hypercholesterolaemia. Identifiers: MedGen C0020445, MONDO:0005439.

Submissions (2):

GENinCode PLC
Classification: Likely benign for Familial hypercholesterolemia. Last evaluated: 2024-01-11. Review status: criteria provided, single submitter. Criteria: ACMG Guidelines, 2015. Collection method: clinical testing. Allele origin: germline.
Comment: This is a synonymous (silent) variant that is not predicted by SpliceAI to impact splicing. In addition, it occurs at a nucleotide that is not conserved. Therefore this variant has been classified as Likely Benign (BP4, BP7).

Labcorp Genetics (formerly Invitae), Labcorp
Classification: Likely benign for Familial hypobetalipoproteinemia 1; Hypercholesterolemia, autosomal dominant, type B. Last evaluated: 2023-05-05. Review status: criteria provided, single submitter. Criteria: Invitae Variant Classification Sherloc (09022015). Collection method: clinical testing. Allele origin: germline.